The following is an entry in ClinVar:

ClinVar aggregate classification (germline): Benign/Likely benign. Review status: criteria provided, multiple submitters, no conflicts (2 of 4 stars). 4 submissions from 4 submitters: Benign (1); Likely benign (3). Last evaluated 2025-02-11.

Conditions:
Colorectal cancer, susceptibility to, 12 (CRCS12). Also called: COLORECTAL CANCER, SUSCEPTIBILITY TO, ON CHROMOSOME 12q24. Identifiers: Orphanet 220460, MedGen C3554460, MONDO:0014038, OMIM 615083.
Hereditary cancer-predisposing syndrome. Also called: Neoplastic Syndromes, Hereditary; Tumor predisposition; Hereditary Cancer Syndrome; Hereditary neoplastic syndrome. Identifiers: Orphanet 140162, MedGen C0027672, MeSH D009386, MONDO:0015356.

Allele frequency attached by ClinVar (database versions not stated): gnomAD exomes below 0.00001; TOPMed 0.00001.
gnomAD v4.1: 3 of 1,613,330 alleles (0.00019%); highest among the groups gnomAD compares: Admixed American, 0.0017%; no homozygotes.

Submissions (4):

Myriad Genetics, Inc.
Classification: Benign for Colorectal cancer, susceptibility to, 12. Last evaluated: 2025-02-11. Review status: criteria provided, single submitter. Criteria: Myriad Autosomal Dominant, Autosomal Recessive and X-Linked Classification Criteria (2023). Collection method: clinical testing. Allele origin: unknown.
Comment: This variant is considered benign. This variant is a silent/synonymous amino acid change and it is not expected to impact splicing.

Labcorp Genetics (formerly Invitae), Labcorp
Classification: Likely benign. Last evaluated: 2024-04-15. Review status: criteria provided, single submitter. Criteria: Invitae Variant Classification Sherloc (09022015). Collection method: clinical testing. Allele origin: germline.

Women's Health and Genetics/Laboratory Corporation of America, LabCorp
Classification: Likely benign. Last evaluated: 2022-04-14. Review status: criteria provided, single submitter. Criteria: LabCorp Variant Classification Summary - May 2015. Collection method: clinical testing. Allele origin: germline.

Ambry Genetics
Classification: Likely benign for Hereditary cancer-predisposing syndrome. Last evaluated: 2016-03-24. Review status: criteria provided, single submitter. Criteria: Ambry Variant Classification Scheme 2023. Collection method: clinical testing. Allele origin: germline.

NM_006231.4(POLE):c.1440T>C (p.Ala480=)

Gene: POLE (DNA polymerase epsilon, catalytic subunit; minus strand). Cytogenetic location: 12q24.33.
Variant type: single nucleotide variant.
Coding change: c.1440T>C on transcript NM_006231.4 (MANE Select); coding-DNA position 1440, T replaced by C.
Protein change: p.Ala480=; no amino-acid change (alanine 480 retained).
Molecular consequence: synonymous variant.
Genome position (GRCh38, 1-based): chr12:132,673,197, A>G on the plus strand (T>C on the coding strand, the complement: POLE is on the minus strand). VCF-style: chr12-132673197-A-G. GRCh37 (hg19) VCF-style: chr12-133249783-A-G.
Identifiers: ClinVar variation 484512 (VCV000484512.16), dbSNP rs1248513702, ClinGen allele CA482722670.